The following is an entry in ClinVar:

NM_001142800.2(EYS):c.4121G>A (p.Arg1374Gln)

Gene: EYS (EGF-like photoreceptor maintenance factor; minus strand). Cytogenetic location: 6q12.
Variant type: single nucleotide variant.
Coding change: c.4121G>A on transcript NM_001142800.2 (MANE Select); coding-DNA position 4121, G replaced by A.
Protein change: p.Arg1374Gln; replaces arginine 1374 with glutamine.
Molecular consequence: missense variant.
Genome position (GRCh38, 1-based): chr6:64,591,746, C>T on the plus strand (G>A on the coding strand, the complement: EYS is on the minus strand). VCF-style: chr6-64591746-C-T. GRCh37 (hg19) VCF-style: chr6-65301639-C-T.
Other names: c.4121G>A, p.Arg1374Gln (NM_001292009.2); short protein forms R1374Q.
Identifiers: ClinVar variation 969366 (VCV000969366.8), dbSNP rs142187896, ClinGen allele CA3877105.

ClinVar aggregate classification (germline): Conflicting classifications of pathogenicity. Review status: criteria provided, conflicting classifications (1 of 4 stars). 4 submissions from 4 submitters: Uncertain significance (2); Likely benign (1). 1 of the submissions does not count toward it. Last evaluated 2025-06-01.

Conditions:
Retinitis pigmentosa 25 (RP25). Identifiers: Orphanet 791, MedGen C1864446, MONDO:0011272, OMIM 602772.

Allele frequency attached by ClinVar (database versions not stated): gnomAD exomes 0.00004; ExAC 0.00025; gnomAD 0.00033 and 0.00034; TOPMed 0.00040; 1000 Genomes Project 30x 0.00078; 1000 Genomes Project 0.00100.
gnomAD v4.1: 115 of 1,551,274 alleles (0.0074%); highest among the groups gnomAD compares: African/African-American, 0.11%; no homozygotes.

Submissions (4):

Labcorp Genetics (formerly Invitae), Labcorp
Classification: Uncertain significance. Last evaluated: 2025-06-01. Review status: criteria provided, single submitter. Criteria: Invitae Variant Classification Sherloc (09022015). Collection method: clinical testing. Allele origin: germline.
Comment: This sequence change replaces arginine, which is basic and polar, with glutamine, which is neutral and polar, at codon 1374 of the EYS protein (p.Arg1374Gln). This variant is present in population databases (rs142187896, gnomAD 0.09%). This variant has not been reported in the literature in individuals affected with EYS-related conditions. ClinVar contains an entry for this variant (Variation ID: 969366). Invitae Evidence Modeling of protein sequence and biophysical properties (such as structural, functional, and spatial information, amino acid conservation, physicochemical variation, residue mobility, and thermodynamic stability) indicates that this missense variant is not expected to disrupt EYS protein function with a negative predictive value of 80%. In summary, the available evidence is currently insufficient to determine the role of this variant in disease. Therefore, it has been classified as a Variant of Uncertain Significance.

Blueprint Genetics
Classification: Uncertain significance. Last evaluated: 2022-09-07. Review status: criteria provided, single submitter. Criteria: ACMG Guidelines, 2015. Collection method: clinical testing. Allele origin: germline.

Department of Pathology and Laboratory Medicine, Sinai Health System
Classification: Likely benign for Retinitis pigmentosa 25. Last evaluated: 2021-10-14. Review status: criteria provided, single submitter. Criteria: ACMG Guidelines, 2015. Collection method: research. Allele origin: germline.

Natera, Inc.
Classification: Uncertain significance for Retinitis pigmentosa type 25. Last evaluated: 2020-06-05. Review status: no assertion criteria provided. Collection method: clinical testing. Allele origin: germline. Not counted in ClinVar's aggregate classification.